The following is an entry in ClinVar:

ClinVar aggregate classification (germline): Uncertain significance (1 of 4 stars; one submission).

Submission:

Labcorp Genetics (formerly Invitae), Labcorp
Classification: Uncertain significance. Last evaluated: 2022-06-29. Review status: criteria provided, single submitter. Criteria: Invitae Variant Classification Sherloc (09022015). Collection method: clinical testing. Allele origin: germline.
Comment: In summary, the available evidence is currently insufficient to determine the role of this variant in disease. Therefore, it has been classified as a Variant of Uncertain Significance. Algorithms developed to predict the effect of missense changes on protein structure and function are either unavailable or do not agree on the potential impact of this missense change (SIFT: "Deleterious"; PolyPhen-2: "Benign"; Align-GVGD: "Class C25"). This sequence change replaces isoleucine, which is neutral and non-polar, with threonine, which is neutral and polar, at codon 142 of the IDH3A protein (p.Ile142Thr). This variant is not present in population databases (gnomAD no frequency). This variant has not been reported in the literature in individuals affected with IDH3A-related conditions.

NM_005530.3(IDH3A):c.425T>C (p.Ile142Thr)

Gene: IDH3A (isocitrate dehydrogenase (NAD(+)) 3 catalytic subunit alpha; plus strand). Cytogenetic location: 15q25.1.
Variant type: single nucleotide variant.
Coding change: c.425T>C on transcript NM_005530.3 (MANE Select); coding-DNA position 425, T replaced by C.
Protein change: p.Ile142Thr; replaces isoleucine 142 with threonine.
Molecular consequence: missense variant.
Genome position (GRCh38, 1-based): chr15:78,161,716, T>C. VCF-style: chr15-78161716-T-C. GRCh37 (hg19) VCF-style: chr15-78454058-T-C.
Other names: short protein forms I142T.
Identifiers: ClinVar variation 2012293 (VCV002012293.4), dbSNP rs2548837267, ClinGen allele CA393542688.